The following is an entry in ClinVar:

NM_021074.5(NDUFV2):c.562A>G (p.Ile188Val)

Genes: NDUFV2 (NADH:ubiquinone oxidoreductase core subunit V2; plus strand), NDUFV2-AS1 (NDUFV2 antisense RNA 1; minus strand). Cytogenetic location: 18p11.22.
Variant type: single nucleotide variant.
Coding change: c.562A>G on transcript NM_021074.5 (MANE Select); coding-DNA position 562, A replaced by G.
Protein change: p.Ile188Val; replaces isoleucine 188 with valine.
Molecular consequence: missense variant.
Genome position (GRCh38, 1-based): chr18:9,124,966, A>G. VCF-style: chr18-9124966-A-G. GRCh37 (hg19) VCF-style: chr18-9124964-A-G.
Other names: short protein forms I188V.
Identifiers: ClinVar variation 1412531 (VCV001412531.6), dbSNP rs750706147, ClinGen allele CA8887250.

ClinVar aggregate classification (germline): Uncertain significance (1 of 4 stars; one submission).

Allele frequency attached by ClinVar (database versions not stated): gnomAD exomes 0.00001 and 0.00003; ExAC 0.00003.
gnomAD v4.1: 9 of 1,613,682 alleles (0.00056%); highest among the groups gnomAD compares: Admixed American, 0.012%; no homozygotes.

Submission:

Labcorp Genetics (formerly Invitae), Labcorp
Classification: Uncertain significance. Last evaluated: 2022-02-04. Review status: criteria provided, single submitter. Criteria: Invitae Variant Classification Sherloc (09022015). Collection method: clinical testing. Allele origin: germline.
Comment: In summary, the available evidence is currently insufficient to determine the role of this variant in disease. Therefore, it has been classified as a Variant of Uncertain Significance. Algorithms developed to predict the effect of sequence changes on RNA splicing suggest that this variant may create or strengthen a splice site. Algorithms developed to predict the effect of missense changes on protein structure and function (SIFT, PolyPhen-2, Align-GVGD) all suggest that this variant is likely to be tolerated. This variant has not been reported in the literature in individuals affected with NDUFV2-related conditions. This variant is present in population databases (rs750706147, gnomAD 0.02%). This sequence change replaces isoleucine, which is neutral and non-polar, with valine, which is neutral and non-polar, at codon 188 of the NDUFV2 protein (p.Ile188Val).